The following is an entry in ClinVar:

NM_014727.3(KMT2B):c.6425T>C (p.Leu2142Pro)

Gene: KMT2B (lysine methyltransferase 2B; plus strand). Cytogenetic location: 19q13.12.
Variant type: single nucleotide variant.
Coding change: c.6425T>C on transcript NM_014727.3 (MANE Select); coding-DNA position 6425, T replaced by C.
Protein change: p.Leu2142Pro; replaces leucine 2142 with proline.
Molecular consequence: missense variant.
Genome position (GRCh38, 1-based): chr19:35,732,974, T>C. VCF-style: chr19-35732974-T-C. GRCh37 (hg19) VCF-style: chr19-36223875-T-C.
Other names: short protein forms L2142P.
Identifiers: ClinVar variation 1708416 (VCV001708416.6), dbSNP rs2513353392, ClinGen allele CA405428434.
Genomic context (GRCh38, chr19:35,732,974, plus strand): 5'-GGGGTCCTGGGGATGGAGGTGCTGGCCCTAGAGAGGAGTCACTCCCCCCGGCGCCTCCCC[T>C]GGCTAATGGCAGCCAGCCCTCCCAAGGCCTGACCGCCAGCCCAGCTGACCCCACCCGCAC-3'
Protein context (NP_055542.1, residues 2132-2152): REESLPPAPP[Leu2142Pro]ANGSQPSQGL

ClinVar aggregate classification (germline): Uncertain significance. Review status: criteria provided, multiple submitters, no conflicts (2 of 4 stars). 3 submissions from 3 submitters: Uncertain significance (3). Last evaluated 2023-11-28.

Allele frequency attached by ClinVar (database versions not stated): gnomAD exomes below 0.00001.
gnomAD v4.1: 1 of 1,602,974 alleles (0.000062%); highest among the groups gnomAD compares: Non-Finnish European, 0.000085%; no homozygotes.

Submissions (3):

Labcorp Genetics (formerly Invitae), Labcorp
Classification: Uncertain significance. Last evaluated: 2023-11-28. Review status: criteria provided, single submitter. Criteria: Invitae Variant Classification Sherloc (09022015). Collection method: clinical testing. Allele origin: germline.
Comment: This sequence change replaces leucine, which is neutral and non-polar, with proline, which is neutral and non-polar, at codon 2142 of the KMT2B protein (p.Leu2142Pro). This variant is not present in population databases (gnomAD no frequency). This variant has not been reported in the literature in individuals affected with KMT2B-related conditions. ClinVar contains an entry for this variant (Variation ID: 1708416). Advanced modeling of protein sequence and biophysical properties (such as structural, functional, and spatial information, amino acid conservation, physicochemical variation, residue mobility, and thermodynamic stability) performed at Invitae indicates that this missense variant is not expected to disrupt KMT2B protein function with a negative predictive value of 95%. In summary, the available evidence is currently insufficient to determine the role of this variant in disease. Therefore, it has been classified as a Variant of Uncertain Significance.

Centre of Medical Genetics, University Hospital Muenster
Classification: Uncertain significance. Last evaluated: 2022-09-02. Review status: criteria provided, single submitter. Criteria: ACMG Guidelines, 2015. Collection method: clinical testing. Allele origin: unknown. Affected: yes. Observed: 1 variant allele, 1 heterozygote.
Comment: ACMG categories: PM2,PP3,BP1

Blueprint Genetics
Classification: Uncertain significance. Last evaluated: 2021-10-15. Review status: criteria provided, single submitter. Criteria: ACMG Guidelines, 2015. Collection method: clinical testing. Allele origin: germline.